The following is an entry in ClinVar:

NM_001283009.2(RTEL1):c.3553C>G (p.Leu1185Val)

Genes: RTEL1 (regulator of telomere elongation helicase 1; plus strand), RTEL1-TNFRSF6B (RTEL1-TNFRSF6B readthrough (NMD candidate); plus strand). Cytogenetic location: 20q13.33.
Variant type: single nucleotide variant.
Coding change: c.3553C>G on transcript NM_001283009.2 (MANE Select); coding-DNA position 3553, C replaced by G.
Protein change: p.Leu1185Val; replaces leucine 1185 with valine.
Molecular consequence: missense variant. On other transcripts: non-coding transcript variant (1).
Genome position (GRCh38, 1-based): chr20:63,695,381, C>G. VCF-style: chr20-63695381-C-G. GRCh37 (hg19) VCF-style: chr20-62326734-C-G.
Other names: c.2884C>G, p.Leu962Val (NM_001283010.1); c.3553C>G, p.Leu1185Val (NM_016434.4); c.3625C>G, p.Leu1209Val (NM_032957.5); c.3625C>G (NM_032957.4); short protein forms L1185V, L1209V, L962V.
Identifiers: ClinVar variation 1513992 (VCV001513992.4), dbSNP rs1439323475, ClinGen allele CA409685678.

ClinVar aggregate classification (germline): Uncertain significance. Review status: criteria provided, multiple submitters, no conflicts (2 of 4 stars). 2 submissions from 2 submitters: Uncertain significance (2). Last evaluated 2025-11-23.

Conditions:
Inborn genetic diseases. Identifiers: MedGen C0950123, MeSH D030342.
Pulmonary fibrosis and/or bone marrow failure, Telomere-related, 3. Also called: PULMONARY FIBROSIS AND/OR BONE MARROW FAILURE SYNDROME, TELOMERE-RELATED, 3. Identifiers: Orphanet 2032, MedGen C4225346, MONDO:0014613, OMIM 616373.
Dyskeratosis congenita, autosomal recessive 5 (DKCB5). Identifiers: MedGen C3554656, MONDO:0014076, OMIM 615190.

Submissions (2):

Ambry Genetics
Classification: Uncertain significance for Inborn genetic diseases. Last evaluated: 2025-11-23. Review status: criteria provided, single submitter. Criteria: Ambry Variant Classification Scheme 2023. Collection method: clinical testing. Allele origin: germline.

Labcorp Genetics (formerly Invitae), Labcorp
Classification: Uncertain significance for Dyskeratosis congenita, autosomal recessive 5; Pulmonary fibrosis and/or bone marrow failure, Telomere-related, 3. Last evaluated: 2021-08-20. Review status: criteria provided, single submitter. Criteria: Invitae Variant Classification Sherloc (09022015). Collection method: clinical testing. Allele origin: germline.
Comment: This sequence change replaces leucine with valine at codon 1185 of the RTEL1 protein (p.Leu1185Val). The leucine residue is weakly conserved and there is a small physicochemical difference between leucine and valine. This variant is not present in population databases (ExAC no frequency). This variant has not been reported in the literature in individuals affected with RTEL1-related conditions. Algorithms developed to predict the effect of missense changes on protein structure and function (SIFT, PolyPhen-2, Align-GVGD) all suggest that this variant is likely to be tolerated. In summary, the available evidence is currently insufficient to determine the role of this variant in disease. Therefore, it has been classified as a Variant of Uncertain Significance.